The following is an entry in ClinVar:

NM_003632.3(CNTNAP1):c.1561dup (p.Leu521fs)

Gene: CNTNAP1 (contactin associated protein 1; plus strand). Cytogenetic location: 17q21.2.
Variant type: Duplication.
Coding change: c.1561dup on transcript NM_003632.3 (MANE Select); coding-DNA position 1561, one base duplicated (C; older notation c.1561dupC).
Protein change: p.Leu521fs; shifts the reading frame from leucine 521.
Molecular consequence: frameshift variant.
Genome position (GRCh38, 1-based): chr17:42,688,980, C duplicated. VCF-style (leftmost placement, unchanged base first): chr17-42688979-T-TC. GRCh37 (hg19) VCF-style: chr17-40840997-T-TC.
Other names: p.Leu521Profs*12; c.1561dup (NM_003632.2); c.1561dupC (NM_003632.2); short protein forms L521fs.
Identifiers: ClinVar variation 254173 (VCV000254173.3), dbSNP rs1555642784, ClinGen allele CA645373137.

ClinVar aggregate classification (germline): Pathogenic. Review status: criteria provided, multiple submitters, no conflicts (2 of 4 stars). 4 submissions from 4 submitters: Pathogenic (2). 2 of the submissions do not count toward it. Last evaluated 2022-07-01.

Conditions:
Lethal congenital contracture syndrome 7 (LCCS7). Identifiers: MedGen C4225386, MONDO:0014569, OMIM 616286.

Submissions (4):

Mayo Clinic Laboratories, Mayo Clinic
Classification: Pathogenic. Last evaluated: 2022-07-01. Review status: criteria provided, single submitter. Criteria: ACMG Guidelines, 2015. Collection method: clinical testing. Allele origin: germline. Observed: 1 variant allele.
Comment: PP1, PM2, PM3, PVS1

GeneDx
Classification: Pathogenic. Last evaluated: 2018-06-11. Review status: criteria provided, single submitter. Criteria: GeneDx Variant Classification (06012015). Collection method: clinical testing. Allele origin: germline. Affected: yes.
Comment: The c.1561dupC variant in the CNTNAP1 gene has been reported previously in the homozygous state in three siblings with arthrogryposis multiplex congenita from a consanguineous Arab family (Lakhani et al., 2017). The c.1561dupC variant causes a frameshift starting with codon Leucine 521, changes this amino acid to a Proline residue and creates a premature Stop codon at position 12 of the new reading frame, denoted p.Leu521ProfsX12. This variant is predicted to cause loss of normal protein function either through protein truncation or nonsense-mediated mRNA decay. The c.1561dupC variant is not observed in large population cohorts (Lek et al., 2016). We interpret c.1561dupC as a pathogenic variant.

OMIM
Classification: Pathogenic for LETHAL CONGENITAL CONTRACTURE SYNDROME 7. Last evaluated: 2018-11-27. Review status: no assertion criteria provided. Collection method: literature only. Allele origin: germline. Not counted in ClinVar's aggregate classification.

Christopher A. Walsh Laboratory, Boston Children's Hospital
Classification: Pathogenic for Lethal congenital contracture syndrome 7. Last evaluated: 2016-08-24. Review status: no assertion criteria provided. Collection method: research. Allele origin: germline. Inheritance: Autosomal recessive inheritance. Affected: yes. Observed: 1 variant allele, 1 homozygote. Not counted in ClinVar's aggregate classification.
Comment: This CNTNAP1 frameshift mutation was found in homozygosity in siblings affected with arthrogryposis multiplex congenita, consistent with the previously reported phenotype associated with CNTNAP1 frameshift mutations.

Literature cited by the submitters: PubMed 28254648 (cited by Mayo Clinic Laboratories, Mayo Clinic and OMIM); PubMed 30686628 (cited by Mayo Clinic Laboratories, Mayo Clinic); PubMed 30919572 (cited by Mayo Clinic Laboratories, Mayo Clinic); PubMed 32328110 (cited by Mayo Clinic Laboratories, Mayo Clinic).